The following is an entry in ClinVar:

NM_004183.4(BEST1):c.268G>A (p.Val90Met)

Gene: BEST1 (bestrophin 1; plus strand). Cytogenetic location: 11q12.3.
Variant type: single nucleotide variant.
Coding change: c.268G>A on transcript NM_004183.4 (MANE Select); coding-DNA position 268, G replaced by A.
Protein change: p.Val90Met; replaces valine 90 with methionine.
Molecular consequence: missense variant. On other transcripts: non-coding transcript variant (1).
Genome position (GRCh38, 1-based): chr11:61,955,738, G>A. VCF-style: chr11-61955738-G-A. GRCh37 (hg19) VCF-style: chr11-61723210-G-A.
Other names: c.88G>A, p.Val30Met (NM_001139443.3, NM_001300786.2, NM_001300787.2); c.-51G>A (NM_001363591.3); c.268G>A, p.Val90Met (NM_001363592.2); c.-908G>A (NM_001363593.3); short protein forms V30M, V90M.
Identifiers: ClinVar variation 839893 (VCV000839893.11), dbSNP rs1343490048, ClinGen allele CA380833997.

ClinVar aggregate classification (germline): Uncertain significance (1 of 4 stars; one submission).

Submission:

Labcorp Genetics (formerly Invitae), Labcorp
Classification: Uncertain significance. Last evaluated: 2025-12-22. Review status: criteria provided, single submitter. Criteria: Invitae Variant Classification Sherloc (09022015). Collection method: clinical testing. Allele origin: germline.
Comment: This sequence change replaces valine, which is neutral and non-polar, with methionine, which is neutral and non-polar, at codon 90 of the BEST1 protein (p.Val90Met). This variant is not present in population databases (gnomAD no frequency). This variant has not been reported in the literature in individuals affected with BEST1-related conditions. ClinVar contains an entry for this variant (Variation ID: 839893). Invitae Evidence Modeling of protein sequence and biophysical properties (such as structural, functional, and spatial information, amino acid conservation, physicochemical variation, residue mobility, and thermodynamic stability) indicates that this missense variant is expected to disrupt BEST1 protein function with a positive predictive value of 95%. In summary, the available evidence is currently insufficient to determine the role of this variant in disease. Therefore, it has been classified as a Variant of Uncertain Significance.